The following is an entry in ClinVar:

ClinVar aggregate classification (germline): Uncertain significance. Review status: criteria provided, multiple submitters, no conflicts (2 of 4 stars). 4 submissions from 4 submitters: Uncertain significance (4). Last evaluated 2023-11-03.

Conditions:
Hereditary cancer-predisposing syndrome. Also called: Neoplastic Syndromes, Hereditary; Hereditary neoplastic syndrome; Tumor predisposition; Hereditary Cancer Syndrome. Identifiers: Orphanet 140162, MedGen C0027672, MeSH D009386, MONDO:0015356.
Microcephaly, normal intelligence and immunodeficiency (NBS). Also called: Immunodeficiency, microcephaly with normal intelligence; Ataxia telangiectasia variant V1; IMMUNODEFICIENCY, MICROCEPHALY, AND CHROMOSOMAL INSTABILITY; BERLIN BREAKAGE SYNDROME; SEEMANOVA SYNDROME II; Nijmegen breakage syndrome. Identifiers: Orphanet 647, MedGen C0398791, MONDO:0009623, OMIM 251260.

Submissions (4):

Ambry Genetics
Classification: Uncertain significance for Hereditary cancer-predisposing syndrome. Last evaluated: 2023-11-03. Review status: criteria provided, single submitter. Criteria: Ambry Variant Classification Scheme 2023. Collection method: clinical testing. Allele origin: germline.
Comment: The p.K579Q variant (also known as c.1735A>C), located in coding exon 11 of the NBN gene, results from an A to C substitution at nucleotide position 1735. The lysine at codon 579 is replaced by glutamine, an amino acid with similar properties. This amino acid position is conserved. In addition, this alteration is predicted to be tolerated by in silico analysis. Since supporting evidence is limited at this time, the clinical significance of this alteration remains unclear.

Genome-Nilou Lab
Classification: Uncertain significance for Microcephaly, normal intelligence and immunodeficiency. Last evaluated: 2021-11-07. Review status: criteria provided, single submitter. Criteria: ACMG Guidelines, 2015. Collection method: clinical testing. Allele origin: germline. Affected: no.

Labcorp Genetics (formerly Invitae), Labcorp
Classification: Uncertain significance for Microcephaly, normal intelligence and immunodeficiency. Last evaluated: 2019-11-14. Review status: criteria provided, single submitter. Criteria: Invitae Variant Classification Sherloc (09022015). Collection method: clinical testing. Allele origin: germline.
Comment: In summary, the available evidence is currently insufficient to determine the role of this variant in disease. Therefore, it has been classified as a Variant of Uncertain Significance. This sequence change replaces lysine with glutamine at codon 579 of the NBN protein (p.Lys579Gln). The lysine residue is weakly conserved and there is a small physicochemical difference between lysine and glutamine. This variant has not been reported in the literature in individuals with NBN-related disease. Algorithms developed to predict the effect of missense changes on protein structure and function (SIFT, PolyPhen-2, Align-GVGD) all suggest that this variant is likely to be tolerated, but these predictions have not been confirmed by published functional studies and their clinical significance is uncertain. This variant is not present in population databases (ExAC no frequency).

Illumina Laboratory Services, Illumina
Classification: Uncertain significance for Microcephaly, normal intelligence and immunodeficiency. Last evaluated: 2018-01-13. Review status: criteria provided, single submitter. Criteria: ICSL Variant Classification Criteria 13 December 2019. Collection method: clinical testing. Allele origin: germline.

NM_002485.5(NBN):c.1735A>C (p.Lys579Gln)

Gene: NBN (nibrin; minus strand). Cytogenetic location: 8q21.3.
Variant type: single nucleotide variant.
Coding change: c.1735A>C on transcript NM_002485.5 (MANE Select); coding-DNA position 1735, A replaced by C.
Protein change: p.Lys579Gln; replaces lysine 579 with glutamine.
Molecular consequence: missense variant.
Genome position (GRCh38, 1-based): chr8:89,953,354, T>G on the plus strand (A>C on the coding strand, the complement: NBN is on the minus strand). VCF-style: chr8-89953354-T-G. GRCh37 (hg19) VCF-style: chr8-90965582-T-G.
Other names: c.1489A>C, p.Lys497Gln (NM_001024688.3); short protein forms K579Q, K497Q.
Identifiers: ClinVar variation 530765 (VCV000530765.19), dbSNP rs993110145, ClinGen allele CA371655212.